The following is an entry in ClinVar:

ClinVar aggregate classification (germline): Pathogenic (1 of 4 stars; one submission).

Conditions:
Jeune thoracic dystrophy. Also called: Short-rib thoracic dysplasia; Jeune syndrome; Infantile thoracic dystrophy; Thoracic pelvic phalangeal dystrophy; Jeune's syndrome; Chondroectodermal dysplasia-like syndrome. Identifiers: Orphanet 474, MedGen C0265275, MONDO:0018770.

Submission:

Labcorp Genetics (formerly Invitae), Labcorp
Classification: Pathogenic for Jeune thoracic dystrophy. Last evaluated: 2023-05-19. Review status: criteria provided, single submitter. Criteria: Invitae Variant Classification Sherloc (09022015). Collection method: clinical testing. Allele origin: germline.
Comment: For these reasons, this variant has been classified as Pathogenic. This variant has not been reported in the literature in individuals affected with DYNC2H1-related conditions. This variant is not present in population databases (gnomAD no frequency). This sequence change creates a premature translational stop signal (p.Gln3431*) in the DYNC2H1 gene. It is expected to result in an absent or disrupted protein product. Loss-of-function variants in DYNC2H1 are known to be pathogenic (PMID: 23339108, 32753734).

Literature cited by the submitters: PubMed 23339108; PubMed 32753734.

NM_001377.3(DYNC2H1):c.10270C>T (p.Gln3424Ter)

Gene: DYNC2H1 (dynein cytoplasmic 2 heavy chain 1; plus strand). Cytogenetic location: 11q22.3.
Variant type: single nucleotide variant.
Coding change: c.10270C>T on transcript NM_001377.3 (MANE Select); coding-DNA position 10270, C replaced by T.
Protein change: p.Gln3424Ter; replaces glutamine 3424 with a stop codon.
Molecular consequence: nonsense.
Genome position (GRCh38, 1-based): chr11:103,255,478, C>T. VCF-style: chr11-103255478-C-T. GRCh37 (hg19) VCF-style: chr11-103126207-C-T.
Other names: c.10291C>T, p.Gln3431Ter (NM_001080463.2); short protein forms Q3431*, Q3424*.
Identifiers: ClinVar variation 2799708 (VCV002799708.3), dbSNP rs1258635215, ClinGen allele CA382249297.